The following is an entry in ClinVar:

NM_000051.4(ATM):c.4132C>A (p.Pro1378Thr)

Gene: ATM (ATM serine/threonine kinase; plus strand). Cytogenetic location: 11q22.3.
Variant type: single nucleotide variant.
Coding change: c.4132C>A on transcript NM_000051.4 (MANE Select); coding-DNA position 4132, C replaced by A.
Protein change: p.Pro1378Thr; replaces proline 1378 with threonine.
Molecular consequence: missense variant.
Genome position (GRCh38, 1-based): chr11:108,288,999, C>A. VCF-style: chr11-108288999-C-A. GRCh37 (hg19) VCF-style: chr11-108159726-C-A.
Other names: c.4132C>A, p.Pro1378Thr (NM_001351834.2); short protein forms P1378T.
Identifiers: ClinVar variation 490556 (VCV000490556.9), dbSNP rs1555096817, ClinGen allele CA382529853.

ClinVar aggregate classification (germline): Uncertain significance. Review status: criteria provided, multiple submitters, no conflicts (2 of 4 stars). 2 submissions from 2 submitters: Uncertain significance (2). Last evaluated 2025-08-19.

Conditions:
Hereditary cancer-predisposing syndrome. Also called: Tumor predisposition; Neoplastic Syndromes, Hereditary; Hereditary Cancer Syndrome; Hereditary neoplastic syndrome. Identifiers: Orphanet 140162, MedGen C0027672, MeSH D009386, MONDO:0015356.
Ataxia-telangiectasia syndrome (AT). Also called: Ataxia-telangiectasia; Ataxia-telangiectasia, complementation group D; AT, COMPLEMENTATION GROUP C; LOUIS-BAR SYNDROME; Cerebello-oculocutaneous telangiectasia; Immunodeficiency with ataxia telangiectasia. Identifiers: Orphanet 100, MedGen C0004135, MONDO:0008840, OMIM 208900.

Submissions (2):

Labcorp Genetics (formerly Invitae), Labcorp
Classification: Uncertain significance for Ataxia-telangiectasia syndrome. Last evaluated: 2025-08-19. Review status: criteria provided, single submitter. Criteria: Invitae Variant Classification Sherloc (09022015). Collection method: clinical testing. Allele origin: germline.
Comment: This sequence change replaces proline, which is neutral and non-polar, with threonine, which is neutral and polar, at codon 1378 of the ATM protein (p.Pro1378Thr). This variant is not present in population databases (gnomAD no frequency). This variant has not been reported in the literature in individuals affected with ATM-related conditions. ClinVar contains an entry for this variant (Variation ID: 490556). Invitae Evidence Modeling of protein sequence and biophysical properties (such as structural, functional, and spatial information, amino acid conservation, physicochemical variation, residue mobility, and thermodynamic stability) has been performed for this missense variant. However, the output from this modeling did not meet the statistical confidence thresholds required to predict the impact of this variant on ATM protein function. In summary, the available evidence is currently insufficient to determine the role of this variant in disease. Therefore, it has been classified as a Variant of Uncertain Significance.

Color Diagnostics, LLC DBA Color Health
Classification: Uncertain significance for Hereditary cancer-predisposing syndrome. Last evaluated: 2019-01-31. Review status: criteria provided, single submitter. Criteria: ACMG Guidelines, 2015. Collection method: clinical testing. Allele origin: germline.